The following is an entry in ClinVar:

ClinVar aggregate classification (germline): Likely pathogenic (1 of 4 stars; one submission).

Conditions:
Tuberous sclerosis 1 (TSC1). Identifiers: Orphanet 805, MedGen C1854465, MONDO:0008612, OMIM 191100.

Submission:

Neuberg Centre For Genomic Medicine, NCGM
Classification: Likely pathogenic for Tuberous sclerosis 1. Last evaluated: 2023-05-20. Review status: criteria provided, single submitter. Criteria: ACMG Guidelines, 2015. Collection method: clinical testing. Allele origin: germline. Inheritance: Autosomal dominant inheritance. Affected: yes.
Comment: The observed frameshift c.1831del(p.Ala611HisfsTer18) variant in TSC1 gene has not been reported previously as a pathogenic variant nor a benign variant, to our knowledge. The p.Ala611HisfsTer18 variant is absent in gnomAD Exomes. This variant has not been submitted to the ClinVar database. This variant causes a frameshift starting with codon Alanine 611, changes this amino acid to Histidine residue, and creates a premature Stop codon at position 18 of the new reading frame, denoted p.Ala611HisfsTer18. This variant is predicted to cause loss of normal protein function through protein truncation. Loss of function variants have been previously reported to be disease causing. For these reasons, this variant has been classified as Likely Pathogenic.

NM_000368.5(TSC1):c.1831del (p.Ala611fs)

Gene: TSC1 (TSC complex subunit 1; minus strand). Cytogenetic location: 9q34.13.
Variant type: Deletion.
Coding change: c.1831del on transcript NM_000368.5 (MANE Select); coding-DNA position 1831, one base deleted (G; older notation c.1831delG).
Protein change: p.Ala611fs; shifts the reading frame from alanine 611.
Molecular consequence: frameshift variant. On other transcripts: non-coding transcript variant (5).
Genome position (GRCh38, 1-based): chr9:132,905,747, C deleted on the plus strand (G on the coding strand, the reverse complement: TSC1 is on the minus strand); the first of 2 consecutive C bases (chr9:132,905,747-132,905,748); deleting either gives the same sequence. VCF-style (leftmost placement, unchanged base first): chr9-132905746-GC-G. GRCh37 (hg19) VCF-style: chr9-135781133-GC-G.
Other names: c.1828del, p.Ala610fs (NM_001162426.2, NM_001406597.1, NM_001406598.1 and 6 more transcripts); c.1678del, p.Ala560fs (NM_001162427.2, NM_001406610.1); c.1468del, p.Ala490fs (NM_001362177.2, NM_001406614.1, NM_001406615.1 and 5 more transcripts); c.1831del, p.Ala611fs (NM_001406592.1, NM_001406593.1, NM_001406594.1 and 7 more transcripts); c.1675del, p.Ala559fs (NM_001406611.1, NM_001406612.1, NM_001406613.1); c.1465del, p.Ala489fs (NM_001406620.1, NM_001406621.1, NM_001406622.1 and 2 more transcripts); c.880del, p.Ala294fs (NM_001406626.1); c.877del, p.Ala293fs (NM_001406627.1, NM_001406628.1); and 1 more; short protein forms A260fs, A293fs, A294fs, A489fs, A490fs, A559fs, A560fs, A610fs.
Identifiers: ClinVar variation 3341409 (VCV003341409.1).
Genomic context (GRCh38, chr9:132,905,746, plus strand): 5'-GCTTTCTTTAACAGCTCCTCAGTCTTCCTGATGACAAAATGATGGGCTGTCTTTGGCAAT[GC>G]CACCTCAAAAAGATGATCATACGGGGGAGGCTGCCCGCTTCCAAAGCCCACTCTCGTCGG-3'